The following is an entry in ClinVar:

ClinVar aggregate classification (germline): Uncertain significance (1 of 4 stars; one submission).

Submission:

Ambry Genetics
Classification: Uncertain significance. Last evaluated: 2023-08-01. Review status: criteria provided, single submitter. Criteria: Ambry Variant Classification Scheme 2023. Collection method: clinical testing. Allele origin: germline.
Comment: The p.M429I variant (also known as c.1287G>A), located in coding exon 10 of the RECQL gene, results from a G to A substitution at nucleotide position 1287. The methionine at codon 429 is replaced by isoleucine, an amino acid with highly similar properties. This amino acid position is highly conserved in available vertebrate species. In addition, the in silico prediction for this alteration is inconclusive. The evidence for this gene-disease relationship is limited; therefore, the clinical significance of this alteration is unclear.

NM_002907.4(RECQL):c.1287G>A (p.Met429Ile)

Gene: RECQL (RecQ like helicase; minus strand). Cytogenetic location: 12p12.1.
Variant type: single nucleotide variant.
Coding change: c.1287G>A on transcript NM_002907.4 (MANE Select); coding-DNA position 1287, G replaced by A.
Protein change: p.Met429Ile; replaces methionine 429 with isoleucine.
Molecular consequence: missense variant.
Genome position (GRCh38, 1-based): chr12:21,474,909, C>T on the plus strand (G>A on the coding strand, the complement: RECQL is on the minus strand). VCF-style: chr12-21474909-C-T. GRCh37 (hg19) VCF-style: chr12-21627843-C-T.
Other names: c.1287G>A, p.Met429Ile (NM_032941.3); short protein forms M429I.
Identifiers: ClinVar variation 2586006 (VCV002586006.2), dbSNP rs2540340986, ClinGen allele CA384118503.